The following is an entry in ClinVar:

ClinVar aggregate classification (germline): Uncertain significance. Review status: criteria provided, multiple submitters, no conflicts (2 of 4 stars). 3 submissions from 3 submitters: Uncertain significance (2). 1 of the submissions does not count toward it. Last evaluated 2025-08-31.

Conditions:
Inborn genetic diseases. Identifiers: MedGen C0950123, MeSH D030342.
ANK3-related disorder. Also called: ANK3-related condition.

Allele frequency attached by ClinVar (database versions not stated): gnomAD exomes below 0.00001; TOPMed below 0.00001; ExAC 0.00001.
gnomAD v4.1: 8 of 1,614,040 alleles (0.0005%); highest among the groups gnomAD compares: East Asian, 0.0022%; no homozygotes.

Submissions (3):

Ambry Genetics
Classification: Uncertain significance for Inborn genetic diseases. Last evaluated: 2025-08-31. Review status: criteria provided, single submitter. Criteria: Ambry Variant Classification Scheme 2023. Collection method: clinical testing. Allele origin: germline.

Labcorp Genetics (formerly Invitae), Labcorp
Classification: Uncertain significance. Last evaluated: 2023-02-28. Review status: criteria provided, single submitter. Criteria: Invitae Variant Classification Sherloc (09022015). Collection method: clinical testing. Allele origin: germline.
Comment: In summary, the available evidence is currently insufficient to determine the role of this variant in disease. Therefore, it has been classified as a Variant of Uncertain Significance. Advanced modeling of protein sequence and biophysical properties (such as structural, functional, and spatial information, amino acid conservation, physicochemical variation, residue mobility, and thermodynamic stability) performed at Invitae indicates that this missense variant is not expected to disrupt ANK3 protein function. This variant has not been reported in the literature in individuals affected with ANK3-related conditions. This variant is present in population databases (rs749528201, gnomAD 0.006%). This sequence change replaces proline, which is neutral and non-polar, with serine, which is neutral and polar, at codon 2198 of the ANK3 protein (p.Pro2198Ser).

PreventionGenetics, part of Exact Sciences
Classification: Uncertain significance for ANK3-related condition. Last evaluated: 2023-12-04. Review status: no assertion criteria provided. Collection method: clinical testing. Allele origin: germline. Not counted in ClinVar's aggregate classification.
Comment: The ANK3 c.6592C>T variant is predicted to result in the amino acid substitution p.Pro2198Ser. To our knowledge, this variant has not been reported in the literature. This variant is reported in 0.0054% of alleles in individuals of East Asian descent in gnomAD. At this time, the clinical significance of this variant is uncertain due to the absence of conclusive functional and genetic evidence.

NM_020987.5(ANK3):c.6592C>T (p.Pro2198Ser)

Gene: ANK3 (ankyrin 3; minus strand). Cytogenetic location: 10q21.2.
Variant type: single nucleotide variant.
Coding change: c.6592C>T on transcript NM_020987.5 (MANE Select); coding-DNA position 6592, C replaced by T.
Protein change: p.Pro2198Ser; replaces proline 2198 with serine.
Molecular consequence: missense variant. On other transcripts: intron variant (4).
Genome position (GRCh38, 1-based): chr10:60,074,289, G>A on the plus strand (C>T on the coding strand, the complement: ANK3 is on the minus strand). VCF-style: chr10-60074289-G-A. GRCh37 (hg19) VCF-style: chr10-61834047-G-A.
Other names: c.6592C>T (NM_020987.4, NM_020987.3); c.4387+6248C>T (NM_001204403.2); c.4408+6248C>T (NM_001204404.2); c.4405+6248C>T (NM_001320874.2); c.1807+6248C>T (NM_001149.4); short protein forms P2198S.
Identifiers: ClinVar variation 2755984 (VCV002755984.6), dbSNP rs749528201, ClinGen allele CA5511852.